The following is an entry in ClinVar:

ClinVar aggregate classification (germline): Uncertain significance (1 of 4 stars; one submission).

Conditions:
Cardiomyopathy (CMYO). Also called: Cardiomyopathies. Identifiers: Orphanet 167848, MedGen C0878544, MONDO:0004994, HP:0001638. Inheritance: Various modes of inheritance.

Allele frequency attached by ClinVar (database versions not stated): gnomAD exomes below 0.00001.
gnomAD v4.1: 1 of 1,613,888 alleles (0.000062%); highest among the groups gnomAD compares: Non-Finnish European, 0.000085%; no homozygotes.

Submission:

All of Us Research Program, National Institutes of Health
Classification: Uncertain significance for Cardiomyopathy. Last evaluated: 2023-10-06. Review status: criteria provided, single submitter. Criteria: ACMG Guidelines, 2015. Collection method: clinical testing. Allele origin: germline. Inheritance: Autosomal dominant inheritance. Observed: 1 variant allele, 1 heterozygote.
Comment: This missense variant replaces isoleucine with methionine at codon 1239 of the MYH7 protein. Computational prediction suggests that this variant may not impact protein structure and function (internally defined REVEL score threshold <= 0.5, PMID: 27666373). To our knowledge, functional studies have not been reported for this variant. This variant has not been reported in individuals affected with MYH7-related disorders in the literature. This variant has not been identified in the general population by the Genome Aggregation Database (gnomAD). The available evidence is insufficient to determine the role of this variant in disease conclusively. Therefore, this variant is classified as a Variant of Uncertain Significance.

This study involves interpretation of variants in research participants for the purpose of population health screening. Participant phenotype was not available at the time of variant classification. Additional details can be found in publication PMID: 35346344, PMCID: PMC8962531

NM_000257.4(MYH7):c.3717C>G (p.Ile1239Met)

Gene: MYH7 (myosin heavy chain 7; minus strand). Cytogenetic location: 14q11.2.
Variant type: single nucleotide variant.
Coding change: c.3717C>G on transcript NM_000257.4 (MANE Select); coding-DNA position 3717, C replaced by G.
Protein change: p.Ile1239Met; replaces isoleucine 1239 with methionine.
Molecular consequence: missense variant.
Genome position (GRCh38, 1-based): chr14:23,419,854, G>C on the plus strand (C>G on the coding strand, the complement: MYH7 is on the minus strand). VCF-style: chr14-23419854-G-C. GRCh37 (hg19) VCF-style: chr14-23889063-G-C.
Other names: c.3717C>G, p.Ile1239Met (NM_001407004.1); short protein forms I1239M.
Identifiers: ClinVar variation 3073732 (VCV003073732.1), dbSNP rs2502263540, ClinGen allele CA389042923.
Genomic context (GRCh38, chr14:23,419,854, plus strand): 5'-AGGGGAGGTGGGAGGAGGAAGTTGGAGGAGGGGAGGCCGAGCAGAGCCTGCCTTGGCCTT[G>C]ATGATCTGCTCCATGTTGGAGGTGACGTCATCCAGCTCCAGCTTGAACTCGCTCTTCTCC-3'
Protein context (NP_000248.2, residues 1229-1249): DDVTSNMEQI[Ile1239Met]KAKANLEKMC